The following is an entry in ClinVar:

NM_001199563.2(POPDC1):c.134T>C (p.Phe45Ser)

Gene: POPDC1 (popeye domain cAMP effector 1; minus strand). Cytogenetic location: 6q21.
Variant type: single nucleotide variant.
Coding change: c.134T>C on transcript NM_001199563.2 (MANE Select); coding-DNA position 134, T replaced by C.
Protein change: p.Phe45Ser; replaces phenylalanine 45 with serine.
Molecular consequence: missense variant.
Genome position (GRCh38, 1-based): chr6:105,133,444, A>G on the plus strand (T>C on the coding strand, the complement: POPDC1 is on the minus strand). VCF-style: chr6-105133444-A-G. GRCh37 (hg19) VCF-style: chr6-105581319-A-G.
Other names: p.Phe45Ser; c.134T>C, p.Phe45Ser (NM_007073.4, NM_147147.4); short protein forms F45S.
Identifiers: ClinVar variation 4541195 (VCV004541195.1).

ClinVar aggregate classification (germline): Uncertain significance (1 of 4 stars; one submission).

gnomAD v4.1: 5 of 1,613,954 alleles (0.00031%); highest among the groups gnomAD compares: Non-Finnish European, 0.00034%; no homozygotes.

Submission:

Mayo Clinic Laboratories, Mayo Clinic
Classification: Uncertain significance. Last evaluated: 2025-03-03. Review status: criteria provided, single submitter. Criteria: ACMG Guidelines, 2015. Collection method: clinical testing. Allele origin: germline. Observed: 1 variant allele.
Comment: PM2_supporting